The following is an entry in ClinVar:

NM_001130823.3(DNMT1):c.1458T>C (p.Asp486=)

Gene: DNMT1 (DNA methyltransferase 1; minus strand). Cytogenetic location: 19p13.2.
Variant type: single nucleotide variant.
Coding change: c.1458T>C on transcript NM_001130823.3 (MANE Select); coding-DNA position 1458, T replaced by C.
Protein change: p.Asp486=; no amino-acid change (aspartic acid 486 retained).
Molecular consequence: synonymous variant.
Genome position (GRCh38, 1-based): chr19:10,155,887, A>G on the plus strand (T>C on the coding strand, the complement: DNMT1 is on the minus strand). VCF-style: chr19-10155887-A-G. GRCh37 (hg19) VCF-style: chr19-10266563-A-G.
Other names: c.1410T>C, p.Asp470= (NM_001318730.2, NM_001379.4); c.1095T>C, p.Asp365= (NM_001318731.2); c.1458T>C (NM_001130823.2).
Identifiers: ClinVar variation 714036 (VCV000714036.11), dbSNP rs369649047, ClinGen allele CA9188296.

ClinVar aggregate classification (germline): Likely benign. Review status: criteria provided, single submitter (1 of 4 stars). 2 submissions from 2 submitters: Likely benign (1). 1 of the submissions does not count toward it. Last evaluated 2022-11-17.

Conditions:
Hereditary sensory neuropathy-deafness-dementia syndrome. Also called: Hereditary sensory neuropathy type IE; Hereditary Sensory and Autonomic Neuropathy Type 1E (HSAN1E); HSN IE; NEUROPATHY, HEREDITARY SENSORY, WITH HEARING LOSS AND DEMENTIA. Identifiers: Orphanet 456318, MedGen C3279885, MONDO:0013584, OMIM 614116.
DNMT1-related disorder. Also called: DNMT1-related condition. Identifiers: MedGen CN381527.

Allele frequency attached by ClinVar (database versions not stated): gnomAD exomes below 0.00001; ExAC 0.00001; gnomAD 0.00001; TOPMed 0.00001; ESP Exome Variant Server 0.00008.
gnomAD v4.1: 2 of 1,613,840 alleles (0.00012%); highest among the groups gnomAD compares: Non-Finnish European, 0.00017%; no homozygotes.

Submissions (2):

Labcorp Genetics (formerly Invitae), Labcorp
Classification: Likely benign for Hereditary sensory neuropathy-deafness-dementia syndrome. Last evaluated: 2022-11-17. Review status: criteria provided, single submitter. Criteria: Invitae Variant Classification Sherloc (09022015). Collection method: clinical testing. Allele origin: germline.

PreventionGenetics, part of Exact Sciences
Classification: Likely benign for DNMT1-related condition. Last evaluated: 2019-07-31. Review status: no assertion criteria provided. Collection method: clinical testing. Allele origin: germline. Not counted in ClinVar's aggregate classification.
Comment: This variant is classified as likely benign based on ACMG/AMP sequence variant interpretation guidelines (Richards et al. 2015 PMID: 25741868, with internal and published modifications).